The following is an entry in ClinVar:

NM_032119.4(ADGRV1):c.5563_5564delinsAA (p.Ala1855Lys)

Gene: ADGRV1 (adhesion G protein-coupled receptor V1; plus strand). Cytogenetic location: 5q14.3.
Variant type: Indel.
Coding change: c.5563_5564delinsAA on transcript NM_032119.4 (MANE Select); coding-DNA positions 5563 to 5564, GC replaced by AA.
Protein change: p.Ala1855Lys; replaces alanine 1855 with lysine.
Molecular consequence: missense variant. On other transcripts: non-coding transcript variant (1).
Genome position (GRCh38, 1-based): chr5:90,681,353-90,681,354, GC replaced by AA. VCF-style: chr5-90681353-GC-AA. GRCh37 (hg19) VCF-style: chr5-89977170-GC-AA.
Other names: short protein forms A1855K.
Identifiers: ClinVar variation 1714272 (VCV001714272.4), dbSNP rs2530796852, ClinGen allele CA2580073723.

ClinVar aggregate classification (germline): Uncertain significance (1 of 4 stars; one submission).

Submission:

Labcorp Genetics (formerly Invitae), Labcorp
Classification: Uncertain significance. Last evaluated: 2025-04-16. Review status: criteria provided, single submitter. Criteria: Invitae Variant Classification Sherloc (09022015). Collection method: clinical testing. Allele origin: germline.
Comment: This sequence change replaces alanine, which is neutral and non-polar, with lysine, which is basic and polar, at codon 1855 of the ADGRV1 protein (p.Ala1855Lys). This variant is present in population databases (no rsID available, gnomAD 0.0004%). This variant has not been reported in the literature in individuals affected with ADGRV1-related conditions. ClinVar contains an entry for this variant (Variation ID: 1714272). An algorithm developed to predict the effect of missense changes on protein structure and function (PolyPhen-2) suggests that this variant is likely to be disruptive. In summary, the available evidence is currently insufficient to determine the role of this variant in disease. Therefore, it has been classified as a Variant of Uncertain Significance.